The following is an entry in ClinVar:

ClinVar aggregate classification (germline): Benign. Review status: criteria provided, multiple submitters, no conflicts (2 of 4 stars). 7 submissions from 7 submitters: Benign (6). 1 of the submissions does not count toward it. Last evaluated 2026-09-01.

Conditions:
AHDC1-related disorder. Also called: AHDC1-related condition.
AHDC1-related intellectual disability - obstructive sleep apnea - mild dysmorphism syndrome. Also called: Xia-Gibbs syndrome. Identifiers: Orphanet 412069, MedGen C4014419, MONDO:0014358, OMIM 615829.

Allele frequency attached by ClinVar (database versions not stated): 1000 Genomes Project 0.00399; 1000 Genomes Project 30x 0.00422; ESP Exome Variant Server 0.00558; gnomAD 0.00722 and 0.00729; TOPMed 0.00729; ExAC 0.00776; gnomAD exomes 0.00808 and 0.00934.
gnomAD v4.1: 14,869 of 1,613,012 alleles (0.92%); highest among the groups gnomAD compares: Non-Finnish European, 1%; 94 homozygotes.

Submissions (7):

CeGaT Center for Human Genetics Tuebingen
Classification: Benign. Last evaluated: 2026-09-01. Review status: criteria provided, single submitter. Criteria: CeGaT Center For Human Genetics Tuebingen Variant Classification Criteria Version 2. Collection method: clinical testing. Allele origin: germline. Affected: yes. Observed: 56 variant alleles.
Comment: AHDC1: BP4, BP7, BS1, BS2

Labcorp Genetics (formerly Invitae), Labcorp
Classification: Benign. Last evaluated: 2026-02-03. Review status: criteria provided, single submitter. Criteria: Invitae Variant Classification Sherloc (09022015). Collection method: clinical testing. Allele origin: germline.

Genome-Nilou Lab
Classification: Benign for AHDC1-related intellectual disability - obstructive sleep apnea - mild dysmorphism syndrome. Last evaluated: 2021-12-05. Review status: criteria provided, single submitter. Criteria: ACMG Guidelines, 2015. Collection method: clinical testing. Allele origin: germline. Affected: no.

GeneDx
Classification: Benign. Last evaluated: 2020-10-13. Review status: criteria provided, single submitter. Criteria: GeneDx Variant Classification Process June 2021. Collection method: clinical testing. Allele origin: germline. Affected: yes.

Genetic Services Laboratory, University of Chicago
Classification: Benign. Last evaluated: 2019-07-18. Review status: criteria provided, single submitter. Criteria: ACMG Guidelines, 2015. Collection method: clinical testing. Allele origin: germline. Affected: no.

Breakthrough Genomics
Classification: Benign. Review status: criteria provided, single submitter. Criteria: ACMG Guidelines, 2015. Collection method: not provided. Allele origin: germline. Inheritance: Autosomal dominant inheritance. Affected: yes.

PreventionGenetics, part of Exact Sciences
Classification: Benign for AHDC1-related condition. Last evaluated: 2020-12-07. Review status: no assertion criteria provided. Collection method: clinical testing. Allele origin: germline. Not counted in ClinVar's aggregate classification.
Comment: This variant is classified as benign based on ACMG/AMP sequence variant interpretation guidelines (Richards et al. 2015 PMID: 25741868, with internal and published modifications).

NM_001371928.1(AHDC1):c.3264C>T (p.Ser1088=)

Gene: AHDC1 (AT-hook DNA binding motif containing 1; minus strand). Cytogenetic location: 1p36.11.
Variant type: single nucleotide variant.
Coding change: c.3264C>T on transcript NM_001371928.1 (MANE Select); coding-DNA position 3264, C replaced by T.
Protein change: p.Ser1088=; no amino-acid change (serine 1088 retained).
Molecular consequence: synonymous variant.
Genome position (GRCh38, 1-based): chr1:27,548,852, G>A on the plus strand (C>T on the coding strand, the complement: AHDC1 is on the minus strand). VCF-style: chr1-27548852-G-A. GRCh37 (hg19) VCF-style: chr1-27875363-G-A.
Other names: c.3264C>T, p.Ser1088= (NM_001029882.3).
Identifiers: ClinVar variation 769506 (VCV000769506.45), dbSNP rs149242867, ClinGen allele CA715588.
Genomic context (GRCh38, chr1:27,548,852, plus strand): 5'-CCACTGAGAAGCCCCCGCAAACTGCCGACAGTTCTCGGGCGAGGGCTGGAAGGAGGAGGA[G>A]GAGGAGGAGGCGGCAGAGGCTGCAGAGGTGGCAGAGGCTGTGGTGCCCTTGGGTACCATG-3'
Protein context (NP_001358857.1, residues 1078-1098): ATSAASAASS[Ser1088=]SSSFQPSPEN